The following is an entry in ClinVar:

ClinVar aggregate classification (germline): Likely pathogenic. Review status: criteria provided, multiple submitters, no conflicts (2 of 4 stars). 2 submissions from 2 submitters: Likely pathogenic (2). Last evaluated 2024-08-09.

Submissions (2):

Revvity Omics, Revvity
Classification: Likely pathogenic. Last evaluated: 2024-08-09. Review status: criteria provided, single submitter. Criteria: ACMG Guidelines, 2015. Collection method: clinical testing. Allele origin: germline.

Mayo Clinic Laboratories, Mayo Clinic
Classification: Likely pathogenic. Last evaluated: 2021-05-28. Review status: criteria provided, single submitter. Criteria: ACMG Guidelines, 2015. Collection method: clinical testing. Allele origin: germline.
Comment: PM3, PM2, PP3, PP4

Literature cited by the submitters: PubMed 33301762 (cited by Mayo Clinic Laboratories, Mayo Clinic).

NM_000157.4(GBA1):c.1537G>A (p.Asp513Asn)

Genes: GBA1 (glucosylceramidase beta 1; minus strand), LOC106627981 (GBA recombination region; plus strand). Cytogenetic location: 1q22.
Variant type: single nucleotide variant.
Coding change: c.1537G>A on transcript NM_000157.4 (MANE Select); coding-DNA position 1537, G replaced by A.
Protein change: p.Asp513Asn; replaces aspartic acid 513 with asparagine.
Molecular consequence: missense variant.
Genome position (GRCh38, 1-based): chr1:155,235,069, C>T on the plus strand (G>A on the coding strand, the complement: GBA1 is on the minus strand). VCF-style: chr1-155235069-C-T. GRCh37 (hg19) VCF-style: chr1-155204860-C-T.
Other names: p.Asp513Asn; c.1537G>A, p.Asp513Asn (NM_001005741.3, NM_001005742.3); c.1276G>A, p.Asp426Asn (NM_001171811.2); c.1390G>A, p.Asp464Asn (NM_001171812.2); short protein forms D426N, D464N, D513N.
Identifiers: ClinVar variation 1691430 (VCV001691430.6), dbSNP rs2148069969, ClinGen allele CA342710104.
Genomic context (GRCh38, chr1:155,235,069, plus strand): 5'-ACAGGTAGGTGTGAATGGAGTAGCCAGGTGAGATTGTCTCCAGGAAGCCCACAGCAGGAT[C>T]CTTGATGGTAAGAGGCACATCCTTAGAGGAGCTAGGGAGCAGGGAGGAGAAGCTGAGAGT-3'
Protein context (NP_000148.2, residues 503-523): SSKDVPLTIK[Asp513Asn]PAVGFLETIS